The following is an entry in ClinVar:

NM_001135146.2(SLC39A8):c.943A>G (p.Asn315Asp)

Genes: SLC39A8 (solute carrier family 39 member 8; minus strand), LOC126807125 (MED14-independent group 3 enhancer GRCh37_chr4:103188587-103189786; plus strand). Cytogenetic location: 4q24.
Variant type: single nucleotide variant.
Coding change: c.943A>G on transcript NM_001135146.2 (MANE Select); coding-DNA position 943, A replaced by G.
Protein change: p.Asn315Asp; replaces asparagine 315 with aspartic acid.
Molecular consequence: missense variant.
Genome position (GRCh38, 1-based): chr4:102,267,977, T>C on the plus strand (A>G on the coding strand, the complement: SLC39A8 is on the minus strand). VCF-style: chr4-102267977-T-C. GRCh37 (hg19) VCF-style: chr4-103189134-T-C.
Other names: p.Asn315Asp; c.943A>G, p.Asn315Asp (NM_001135147.1, NM_022154.5); c.742A>G, p.Asn248Asp (NM_001135148.2); short protein forms N248D, N315D.
Identifiers: ClinVar variation 4974769 (VCV004974769.1).

ClinVar aggregate classification (germline): Uncertain significance (1 of 4 stars; one submission).

Conditions:
SLC39A8-CDG. Also called: CONGENITAL DISORDER OF GLYCOSYLATION, TYPE IIn; CDG IIn; SLC39A8 deficiency. Identifiers: Orphanet 468699, MedGen C4225234, MONDO:0014746, OMIM 616721.

Submission:

Undiagnosed Diseases Network, NIH
Classification: Uncertain significance for SLC39A8-CDG. Last evaluated: 2026-07-10. Review status: criteria provided, single submitter. Criteria: ACMG Guidelines, 2015. Collection method: clinical testing. Allele origin: maternal. Inheritance: Autosomal recessive inheritance. Affected: yes. Observed: 1 variant allele, 1 compound heterozygote. Study: Undiagnosed Diseases Network, UDN.
Comment: ACMG criteria applied include PM2, PP3, PP4. Identified in trans (likely) with a known polymorphism (p.A391T) with functional evidence for pathogenicity.